The following is an entry in ClinVar:

NM_033272.4(KCNH7):c.923A>T (p.Asn308Ile)

Gene: KCNH7 (potassium voltage-gated channel subfamily H member 7; minus strand). Cytogenetic location: 2q24.2.
Variant type: single nucleotide variant.
Coding change: c.923A>T on transcript NM_033272.4 (MANE Select); coding-DNA position 923, A replaced by T.
Protein change: p.Asn308Ile; replaces asparagine 308 with isoleucine.
Molecular consequence: missense variant.
Genome position (GRCh38, 1-based): chr2:162,504,648, T>A on the plus strand (A>T on the coding strand, the complement: KCNH7 is on the minus strand). VCF-style: chr2-162504648-T-A. GRCh37 (hg19) VCF-style: chr2-163361158-T-A.
Other names: c.902A>T, p.Asn301Ile (NM_173162.3); short protein forms N301I, N308I.
Identifiers: ClinVar variation 3038173 (VCV003038173.2), dbSNP rs41268653, ClinGen allele CA1935771.
Genomic context (GRCh38, chr2:162,504,648, plus strand): 5'-GTGCTGTATTTGTTGAGGTTTGAATCTGATGTGGATCCCAGGAGGCTTGACTTGATATGA[T>A]TAAAAGGCCCTAAAAAAATGGAAAGTATTTGTAAGAGTAATATAAGAAGATATAGAAGAA-3'
Protein context (NP_150375.2, residues 298-318): DNGRNVKGPF[Asn308Ile]HIKSSLLGST

ClinVar aggregate classification (germline): Benign (0 of 4 stars; one submission).

Conditions:
KCNH7-related disorder. Also called: KCNH7-related condition.

Allele frequency attached by ClinVar (database versions not stated): 1000 Genomes Project 30x 0.00062; 1000 Genomes Project 0.00080; TOPMed 0.00374; ESP Exome Variant Server 0.00423; gnomAD 0.00469; ExAC 0.00471.
gnomAD v4.1: 9,388 of 1,606,516 alleles (0.58%); highest among the groups gnomAD compares: Non-Finnish European, 0.69%; 43 homozygotes.

Submission:

PreventionGenetics, part of Exact Sciences
Classification: Benign for KCNH7-related condition. Last evaluated: 2019-07-23. Review status: no assertion criteria provided. Collection method: clinical testing. Allele origin: germline.
Comment: This variant is classified as benign based on ACMG/AMP sequence variant interpretation guidelines (Richards et al. 2015 PMID: 25741868, with internal and published modifications).